The following is an entry in ClinVar:

ClinVar aggregate classification (germline): Uncertain significance (1 of 4 stars; one submission).

Conditions:
RASopathy. Also called: Noonan spectrum disorder; rasopathies. Identifiers: Orphanet 536391, MedGen C5555857, MONDO:0021060.

Submission:

Labcorp Genetics (formerly Invitae), Labcorp
Classification: Uncertain significance for RASopathy. Last evaluated: 2020-10-26. Review status: criteria provided, single submitter. Criteria: Invitae Variant Classification Sherloc (09022015). Collection method: clinical testing. Allele origin: germline.
Comment: This variant is not present in population databases (ExAC no frequency). This sequence change replaces proline with arginine at codon 395 of the MAP2K2 protein (p.Pro395Arg). The proline residue is moderately conserved and there is a moderate physicochemical difference between proline and arginine. This variant has not been reported in the literature in individuals with MAP2K2-related conditions. Algorithms developed to predict the effect of missense changes on protein structure and function (SIFT, PolyPhen-2, Align-GVGD) all suggest that this variant is likely to be tolerated, but these predictions have not been confirmed by published functional studies and their clinical significance is uncertain. In summary, the available evidence is currently insufficient to determine the role of this variant in disease. Therefore, it has been classified as a Variant of Uncertain Significance.

NM_030662.4(MAP2K2):c.1184C>G (p.Pro395Arg)

Gene: MAP2K2 (mitogen-activated protein kinase kinase 2; minus strand). Cytogenetic location: 19p13.3.
Variant type: single nucleotide variant.
Coding change: c.1184C>G on transcript NM_030662.4 (MANE Select); coding-DNA position 1184, C replaced by G.
Protein change: p.Pro395Arg; replaces proline 395 with arginine.
Molecular consequence: missense variant.
Genome position (GRCh38, 1-based): chr19:4,090,617, G>C on the plus strand (C>G on the coding strand, the complement: MAP2K2 is on the minus strand). VCF-style: chr19-4090617-G-C. GRCh37 (hg19) VCF-style: chr19-4090615-G-C.
Other names: short protein forms P395R.
Identifiers: ClinVar variation 1002402 (VCV001002402.8), dbSNP rs2040845976, ClinGen allele CA403380690.